The following is an entry in ClinVar:

ClinVar aggregate classification (germline): Uncertain significance (1 of 4 stars; one submission).

Conditions:
Renal carnitine transport defect (CDSP). Also called: Systemic primary carnitine deficiency; Primary carnitine deficiency; CARNITINE DEFICIENCY, SYSTEMIC, DUE TO DEFECT IN RENAL REABSORPTION OF CARNITINE; CARNITINE TRANSPORTER, PLASMA-MEMBRANE, DEFICIENCY OF; CARNITINE UPTAKE DEFECT; Carnitine transporter deficiency. Identifiers: Orphanet 158, MedGen C0342788, MONDO:0008919, OMIM 212140.

Submission:

Labcorp Genetics (formerly Invitae), Labcorp
Classification: Uncertain significance for Renal carnitine transport defect. Last evaluated: 2021-05-08. Review status: criteria provided, single submitter. Criteria: Invitae Variant Classification Sherloc (09022015). Collection method: clinical testing. Allele origin: germline.
Comment: In summary, the available evidence is currently insufficient to determine the role of this variant in disease. Therefore, it has been classified as a Variant of Uncertain Significance. Advanced modeling of protein sequence and biophysical properties (such as structural, functional, and spatial information, amino acid conservation, physicochemical variation, residue mobility, and thermodynamic stability) performed at Invitae indicates that this missense variant is expected to disrupt SLC22A5 protein function. This variant has not been reported in the literature in individuals with SLC22A5-related conditions. This variant is not present in population databases (ExAC no frequency). This sequence change replaces glutamine with arginine at codon 18 of the SLC22A5 protein (p.Gln18Arg). The glutamine residue is highly conserved and there is a small physicochemical difference between glutamine and arginine.

NM_003060.4(SLC22A5):c.53A>G (p.Gln18Arg)

Gene: SLC22A5 (solute carrier family 22 member 5; plus strand). Cytogenetic location: 5q31.1.
Variant type: single nucleotide variant.
Coding change: c.53A>G on transcript NM_003060.4 (MANE Select); coding-DNA position 53, A replaced by G.
Protein change: p.Gln18Arg; replaces glutamine 18 with arginine.
Molecular consequence: missense variant.
Genome position (GRCh38, 1-based): chr5:132,370,025, A>G. VCF-style: chr5-132370025-A-G. GRCh37 (hg19) VCF-style: chr5-131705717-A-G.
Other names: c.53A>G, p.Gln18Arg (NM_001308122.2); short protein forms Q18R.
Identifiers: ClinVar variation 1415806 (VCV001415806.8), dbSNP rs2126764776, ClinGen allele CA360802284.